The following is an entry in ClinVar:

NM_001040142.2(SCN2A):c.5852T>C (p.Ile1951Thr)

Gene: SCN2A (sodium voltage-gated channel alpha subunit 2; plus strand). Cytogenetic location: 2q24.3.
Variant type: single nucleotide variant.
Coding change: c.5852T>C on transcript NM_001040142.2 (MANE Select); coding-DNA position 5852, T replaced by C.
Protein change: p.Ile1951Thr; replaces isoleucine 1951 with threonine.
Molecular consequence: missense variant.
Genome position (GRCh38, 1-based): chr2:165,389,658, T>C. VCF-style: chr2-165389658-T-C. GRCh37 (hg19) VCF-style: chr2-166246168-T-C.
Other names: c.5852T>C, p.Ile1951Thr (NM_001040143.2, NM_001371246.1, NM_001371247.1 and 1 more transcripts); c.5852T>C (NM_021007.2); short protein forms I1951T.
Identifiers: ClinVar variation 2948820 (VCV002948820.6), dbSNP rs1458271629, ClinGen allele CA349040655.

ClinVar aggregate classification (germline): Uncertain significance. Review status: criteria provided, multiple submitters, no conflicts (2 of 4 stars). 3 submissions from 3 submitters: Uncertain significance (3). Last evaluated 2025-10-23.

Conditions:
Inborn genetic diseases. Identifiers: MedGen C0950123, MeSH D030342.
Seizures, benign familial infantile, 3 (BFIS3). Also called: CONVULSIONS, BENIGN FAMILIAL INFANTILE, 3; Familial neonatal seizures. Identifiers: Orphanet 140927, Orphanet 306, MedGen C1843140, MONDO:0011904, OMIM 607745.
Developmental and epileptic encephalopathy, 11 (DEE11). Also called: Early infantile epileptic encephalopathy 11. Identifiers: Orphanet 1934, MedGen C3150987, MONDO:0013388, OMIM 613721.

Allele frequency attached by ClinVar (database versions not stated): gnomAD exomes below 0.00001; gnomAD 0.00001; TOPMed 0.00001.
gnomAD v4.1: 6 of 1,613,848 alleles (0.00037%); highest among the groups gnomAD compares: Admixed American, 0.0017%; no homozygotes.

Submissions (3):

Ambry Genetics
Classification: Uncertain significance for Inborn genetic diseases. Last evaluated: 2025-10-23. Review status: criteria provided, single submitter. Criteria: Ambry Variant Classification Scheme 2023. Collection method: clinical testing. Allele origin: germline.

GeneDx
Classification: Uncertain significance. Last evaluated: 2025-10-10. Review status: criteria provided, single submitter. Criteria: GeneDx Variant Classification Process June 2021. Collection method: clinical testing. Allele origin: germline.
Comment: Not observed at significant frequency in large population cohorts (gnomAD); This substitution is predicted to be within the C-terminal cytoplasmic domain.; In silico analysis suggests that this missense variant does not alter protein structure/function; Has not been previously published as pathogenic or benign to our knowledge

Labcorp Genetics (formerly Invitae), Labcorp
Classification: Uncertain significance for Seizures, benign familial infantile, 3; Developmental and epileptic encephalopathy, 11. Last evaluated: 2023-06-14. Review status: criteria provided, single submitter. Criteria: Invitae Variant Classification Sherloc (09022015). Collection method: clinical testing. Allele origin: germline.
Comment: Advanced modeling of protein sequence and biophysical properties (such as structural, functional, and spatial information, amino acid conservation, physicochemical variation, residue mobility, and thermodynamic stability) performed at Invitae indicates that this missense variant is not expected to disrupt SCN2A protein function. This variant has not been reported in the literature in individuals affected with SCN2A-related conditions. This variant is not present in population databases (gnomAD no frequency). This sequence change replaces isoleucine, which is neutral and non-polar, with threonine, which is neutral and polar, at codon 1951 of the SCN2A protein (p.Ile1951Thr). In summary, the available evidence is currently insufficient to determine the role of this variant in disease. Therefore, it has been classified as a Variant of Uncertain Significance.